The following is an entry in ClinVar:

NM_017780.4(CHD7):c.6707G>T (p.Gly2236Val)

Gene: CHD7 (chromodomain helicase DNA binding protein 7; plus strand). Cytogenetic location: 8q12.2.
Variant type: single nucleotide variant.
Coding change: c.6707G>T on transcript NM_017780.4 (MANE Select); coding-DNA position 6707, G replaced by T.
Protein change: p.Gly2236Val; replaces glycine 2236 with valine.
Molecular consequence: missense variant. On other transcripts: intron variant (1).
Genome position (GRCh38, 1-based): chr8:60,853,432, G>T. VCF-style: chr8-60853432-G-T. GRCh37 (hg19) VCF-style: chr8-61765991-G-T.
Other names: c.1717-8797G>T (NM_001316690.1); c.6707G>T (NM_017780.3); short protein forms G2236V.
Identifiers: ClinVar variation 3595751 (VCV003595751.2).

ClinVar aggregate classification (germline): Uncertain significance. Review status: criteria provided, multiple submitters, no conflicts (2 of 4 stars). 2 submissions from 2 submitters: Uncertain significance (2). Last evaluated 2026-09-02.

Conditions:
Inborn genetic diseases. Identifiers: MedGen C0950123, MeSH D030342.
CHARGE syndrome (CHARGE). Also called: Hittner Hirsch Kreh syndrome; CHARGE ASSOCIATION--COLOBOMA, HEART ANOMALY, CHOANAL ATRESIA, RETARDATION, GENITAL AND EAR ANOMALIES; Coloboma, heart anomaly, choanal atresia, retardation, genital and ear anomalies; CHARGE association; Hall-Hittner syndrome. Identifiers: Orphanet 138, MedGen C0265354, MONDO:0008965.
Hypogonadotropic hypogonadism 5 with or without anosmia (KAL5). Also called: CHD7-Related GnRH Deficiency (Kallmann Syndrome 5); HYPOGONADOTROPIC HYPOGONADISM 5 WITH ANOSMIA; HYPOGONADOTROPHIC HYPOGONADISM 5 WITHOUT ANOSMIA. Identifiers: Orphanet 478, MedGen C3552553, MONDO:0012880, OMIM 612370. Disease mechanism: loss of function.

gnomAD v4.1: 3 of 1,521,892 alleles (0.0002%); highest among the groups gnomAD compares: Non-Finnish European, 0.00026%; no homozygotes.

Submissions (2):

Ambry Genetics
Classification: Uncertain significance for Inborn genetic diseases. Last evaluated: 2026-09-02. Review status: criteria provided, single submitter. Criteria: Ambry Variant Classification Scheme 2023. Collection method: clinical testing. Allele origin: germline.
Comment: The c.6707G>T (p.G2236V) alteration is located in exon 31 (coding exon 30) of the CHD7 gene. This alteration results from a G to T substitution at nucleotide position 6707, causing the glycine (G) at amino acid position 2236 to be replaced by a valine (V). Based on data from gnomAD, the T allele has an overall frequency of 0.001% (1/176318) total alleles studied. The highest observed frequency was 0.001% (1/86486) of European (non-Finnish) alleles. Based on insufficient or conflicting evidence, the clinical significance of this alteration remains unclear.

Fulgent Genetics
Classification: Uncertain significance for CHD7-related CHARGE syndrome; Hypogonadotropic hypogonadism 5 with or without anosmia. Last evaluated: 2024-02-07. Review status: criteria provided, single submitter. Criteria: ACMG Guidelines, 2015. Collection method: clinical testing. Allele origin: germline.